The following is an entry in ClinVar:

ClinVar aggregate classification (germline): Uncertain significance. Review status: criteria provided, multiple submitters, no conflicts (2 of 4 stars). 3 submissions from 3 submitters: Uncertain significance (2). 1 of the submissions does not count toward it. Last evaluated 2022-01-06.

Conditions:
Retinitis pigmentosa 28 (RP28). Identifiers: Orphanet 791, MedGen C1419614, MONDO:0011630, OMIM 606068.

Allele frequency attached by ClinVar (database versions not stated): gnomAD below 0.00001 and 0.00003; gnomAD exomes 0.00001 and 0.00004; TOPMed 0.00001; ExAC 0.00008; 1000 Genomes Project 0.00040; 1000 Genomes Project 30x 0.00047.
gnomAD v4.1: 24 of 1,613,904 alleles (0.0015%); highest among the groups gnomAD compares: South Asian, 0.025%; no homozygotes.

Submissions (3):

Blueprint Genetics
Classification: Uncertain significance. Last evaluated: 2022-01-06. Review status: criteria provided, single submitter. Criteria: ACMG Guidelines, 2015. Collection method: clinical testing. Allele origin: germline.

Labcorp Genetics (formerly Invitae), Labcorp
Classification: Uncertain significance. Last evaluated: 2021-09-02. Review status: criteria provided, single submitter. Criteria: Invitae Variant Classification Sherloc (09022015). Collection method: clinical testing. Allele origin: germline.
Comment: This sequence change replaces alanine with threonine at codon 28 of the FAM161A protein (p.Ala28Thr). The alanine residue is moderately conserved and there is a small physicochemical difference between alanine and threonine. This variant is present in population databases (rs550422472, ExAC 0.06%). This variant has not been reported in the literature in individuals affected with FAM161A-related conditions. Algorithms developed to predict the effect of missense changes on protein structure and function output the following: SIFT: "Deleterious"; PolyPhen-2: "Benign"; Align-GVGD: "Class C0". The threonine amino acid residue is found in multiple mammalian species, which suggests that this missense change does not adversely affect protein function. In summary, the available evidence is currently insufficient to determine the role of this variant in disease. Therefore, it has been classified as a Variant of Uncertain Significance.

Natera, Inc.
Classification: Uncertain significance for Retinitis pigmentosa type 28. Last evaluated: 2021-06-11. Review status: no assertion criteria provided. Collection method: clinical testing. Allele origin: germline. Not counted in ClinVar's aggregate classification.

NM_001201543.2(FAM161A):c.82G>A (p.Ala28Thr)

Genes: FAM161A (FAM161 centrosomal protein A; minus strand), LOC129933843 (ATAC-STARR-seq lymphoblastoid active region 15839; plus strand). Cytogenetic location: 2p15.
Variant type: single nucleotide variant.
Coding change: c.82G>A on transcript NM_001201543.2 (MANE Select); coding-DNA position 82, G replaced by A.
Protein change: p.Ala28Thr; replaces alanine 28 with threonine.
Molecular consequence: missense variant. On other transcripts: non-coding transcript variant (1).
Genome position (GRCh38, 1-based): chr2:61,853,960, C>T on the plus strand (G>A on the coding strand, the complement: FAM161A is on the minus strand). VCF-style: chr2-61853960-C-T. GRCh37 (hg19) VCF-style: chr2-62081095-C-T.
Other names: c.82G>A, p.Ala28Thr (NM_032180.3); short protein forms A28T.
Identifiers: ClinVar variation 955080 (VCV000955080.8), dbSNP rs550422472, ClinGen allele CA1679451.
Genomic context (GRCh38, chr2:61,853,960, plus strand): 5'-CCTCCAAGATCGCCTCCGCTGCCGCCAGGGCCTTTAAGGGGTCTTCGCGTTCGTACTGGG[C>T]GACCCGCGCTCCAGTGATGGGATTTACCGGGGTCTGGAGACTGGAGGCCACCAGCTTCGC-3'
Protein context (NP_001188472.1, residues 18-38): PVNPITGARV[Ala28Thr]QYEREDPLKA